The following is an entry in ClinVar:

NM_001204.7(BMPR2):c.1761T>G (p.Ile587Met)

Gene: BMPR2 (bone morphogenetic protein receptor type 2; plus strand). Cytogenetic location: 2q33.2.
Variant type: single nucleotide variant.
Coding change: c.1761T>G on transcript NM_001204.7 (MANE Select); coding-DNA position 1761, T replaced by G.
Protein change: p.Ile587Met; replaces isoleucine 587 with methionine.
Molecular consequence: missense variant.
Genome position (GRCh38, 1-based): chr2:202,555,426, T>G. VCF-style: chr2-202555426-T-G. GRCh37 (hg19) VCF-style: chr2-203420149-T-G.
Other names: short protein forms I587M.
Identifiers: ClinVar variation 3585289 (VCV003585289.2).

ClinVar aggregate classification (germline): Uncertain significance. Review status: criteria provided, multiple submitters, no conflicts (2 of 4 stars). 2 submissions from 2 submitters: Uncertain significance (2). Last evaluated 2025-01-25.

Conditions:
Pulmonary hypertension, primary, 1 (PPH1). Also called: Pulmonary hypertension, familial primary, 1, with or without HHT. Identifiers: Orphanet 422, MedGen C4552070, MONDO:0024533, OMIM 178600.
Pulmonary venoocclusive disease 1 (PVOD1). Also called: Pulmonary venoocclusive disease 1, autosomal dominant. Identifiers: Orphanet 31837, MedGen C3887658, MONDO:0020713, OMIM 265450.
Inborn genetic diseases. Identifiers: MedGen C0950123, MeSH D030342.

gnomAD v4.1: 6 of 1,614,004 alleles (0.00037%); highest among the groups gnomAD compares: Non-Finnish European, 0.00051%; no homozygotes.

Submissions (2):

Ambry Genetics
Classification: Uncertain significance for Inborn genetic diseases. Last evaluated: 2025-01-25. Review status: criteria provided, single submitter. Criteria: Ambry Variant Classification Scheme 2023. Collection method: clinical testing. Allele origin: germline.
Comment: The p.I587M variant (also known as c.1761T>G), located in coding exon 12 of the BMPR2 gene, results from a T to G substitution at nucleotide position 1761. The isoleucine at codon 587 is replaced by methionine, an amino acid with highly similar properties. This amino acid position is conserved. In addition, the in silico prediction for this alteration is inconclusive. Based on the available evidence, the clinical significance of this variant remains unclear.

Fulgent Genetics
Classification: Uncertain significance for Pulmonary hypertension, primary, 1; Pulmonary venoocclusive disease 1. Last evaluated: 2024-04-25. Review status: criteria provided, single submitter. Criteria: ACMG Guidelines, 2015. Collection method: clinical testing. Allele origin: germline.